The following is an entry in ClinVar:

ClinVar aggregate classification (germline): Uncertain significance (1 of 4 stars; one submission).

Conditions:
Colorectal cancer, hereditary nonpolyposis, type 7. Identifiers: Orphanet 144, MedGen C1858380, MONDO:0013725, OMIM 614385.

Allele frequency attached by ClinVar (database versions not stated): gnomAD exomes 0.00001; ExAC 0.00002.
gnomAD v4.1: 4 of 1,613,584 alleles (0.00025%); highest among the groups gnomAD compares: South Asian, 0.0044%; no homozygotes.

Submission:

Labcorp Genetics (formerly Invitae), Labcorp
Classification: Uncertain significance for Colorectal cancer, hereditary nonpolyposis, type 7. Last evaluated: 2019-07-08. Review status: criteria provided, single submitter. Criteria: Invitae Variant Classification Sherloc (09022015). Collection method: clinical testing. Allele origin: germline.
Comment: In summary, the available evidence is currently insufficient to determine the role of this variant in disease. Therefore, it has been classified as a Variant of Uncertain Significance. Algorithms developed to predict the effect of missense changes on protein structure and function are either unavailable or do not agree on the potential impact of this missense change (SIFT: "Tolerated"; PolyPhen-2: "Possibly Damaging"; Align-GVGD: "Class C0"). This variant has not been reported in the literature in individuals with MLH3-related conditions. This variant is present in population databases (rs748334436, ExAC 0.01%). This sequence change replaces serine with threonine at codon 1249 of the MLH3 protein (p.Ser1249Thr). The serine residue is weakly conserved and there is a small physicochemical difference between serine and threonine.

NM_001040108.2(MLH3):c.3745T>A (p.Ser1249Thr)

Gene: MLH3 (mutL homolog 3; minus strand). Cytogenetic location: 14q24.3.
Variant type: single nucleotide variant.
Coding change: c.3745T>A on transcript NM_001040108.2 (MANE Select); coding-DNA position 3745, T replaced by A.
Protein change: p.Ser1249Thr; replaces serine 1249 with threonine.
Molecular consequence: missense variant.
Genome position (GRCh38, 1-based): chr14:75,032,150, A>T on the plus strand (T>A on the coding strand, the complement: MLH3 is on the minus strand). VCF-style: chr14-75032150-A-T. GRCh37 (hg19) VCF-style: chr14-75498853-A-T.
Other names: c.3673T>A, p.Ser1225Thr (NM_014381.3); short protein forms S1225T, S1249T.
Identifiers: ClinVar variation 952626 (VCV000952626.9), dbSNP rs748334436, ClinGen allele CA7275336.